The following is an entry in ClinVar:

NM_198525.3(KIF7):c.3893C>T (p.Ala1298Val)

Gene: KIF7 (kinesin family member 7; minus strand). Cytogenetic location: 15q26.1.
Variant type: single nucleotide variant.
Coding change: c.3893C>T on transcript NM_198525.3 (MANE Select); coding-DNA position 3893, C replaced by T.
Protein change: p.Ala1298Val; replaces alanine 1298 with valine.
Molecular consequence: missense variant.
Genome position (GRCh38, 1-based): chr15:89,628,558, G>A on the plus strand (C>T on the coding strand, the complement: KIF7 is on the minus strand). VCF-style: chr15-89628558-G-A. GRCh37 (hg19) VCF-style: chr15-90171789-G-A.
Other names: short protein forms A1298V.
Identifiers: ClinVar variation 649419 (VCV000649419.9), dbSNP rs146300227, ClinGen allele CA7727489.

ClinVar aggregate classification (germline): Uncertain significance. Review status: criteria provided, multiple submitters, no conflicts (2 of 4 stars). 3 submissions from 3 submitters: Uncertain significance (3). Last evaluated 2024-02-24.

Conditions:
Inborn genetic diseases. Identifiers: MedGen C0950123, MeSH D030342.
Acrocallosal syndrome (ACLS). Also called: HALLUX DUPLICATION, POSTAXIAL POLYDACTYLY, AND ABSENCE OF CORPUS CALLOSUM; Schinzel syndrome 1; Absence of corpus callosum with unusual facial appearance, mental deficiency, duplication of the halluces and polydactyly. Identifiers: Orphanet 36, MedGen C0796147, MONDO:0008708, OMIM 200990.

Allele frequency attached by ClinVar (database versions not stated): TOPMed 0.00004; gnomAD 0.00005 and 0.00006; gnomAD exomes 0.00006; ExAC 0.00007; ESP Exome Variant Server 0.00015.
gnomAD v4.1: 97 of 1,613,332 alleles (0.006%); highest among the groups gnomAD compares: Non-Finnish European, 0.0065%; no homozygotes.

Submissions (3):

Labcorp Genetics (formerly Invitae), Labcorp
Classification: Uncertain significance for Acrocallosal syndrome. Last evaluated: 2024-02-24. Review status: criteria provided, single submitter. Criteria: Invitae Variant Classification Sherloc (09022015). Collection method: clinical testing. Allele origin: germline.
Comment: This sequence change replaces alanine, which is neutral and non-polar, with valine, which is neutral and non-polar, at codon 1298 of the KIF7 protein (p.Ala1298Val). This variant is present in population databases (rs146300227, gnomAD 0.02%). This variant has not been reported in the literature in individuals affected with KIF7-related conditions. ClinVar contains an entry for this variant (Variation ID: 649419). Algorithms developed to predict the effect of missense changes on protein structure and function output the following: SIFT: "Not Available"; PolyPhen-2: "Benign"; Align-GVGD: "Not Available". The valine amino acid residue is found in multiple mammalian species, which suggests that this missense change does not adversely affect protein function. In summary, the available evidence is currently insufficient to determine the role of this variant in disease. Therefore, it has been classified as a Variant of Uncertain Significance.

Ambry Genetics
Classification: Uncertain significance for Inborn genetic diseases. Last evaluated: 2022-10-25. Review status: criteria provided, single submitter. Criteria: Ambry Variant Classification Scheme 2023. Collection method: clinical testing. Allele origin: germline.

GeneDx
Classification: Uncertain significance. Last evaluated: 2021-04-12. Review status: criteria provided, single submitter. Criteria: GeneDx Variant Classification Process June 2021. Collection method: clinical testing. Allele origin: germline. Affected: yes.
Comment: In silico analysis supports that this missense variant does not alter protein structure/function; Has not been previously published as pathogenic or benign to our knowledge